The following is an entry in ClinVar:

NM_000135.4(FANCA):c.3239G>C (p.Arg1080Pro)

Gene: FANCA (FA complementation group A; minus strand). Cytogenetic location: 16q24.3.
Variant type: single nucleotide variant.
Coding change: c.3239G>C on transcript NM_000135.4 (MANE Select); coding-DNA position 3239, G replaced by C.
Protein change: p.Arg1080Pro; replaces arginine 1080 with proline.
Molecular consequence: missense variant.
Genome position (GRCh38, 1-based): chr16:89,749,730, C>G on the plus strand (G>C on the coding strand, the complement: FANCA is on the minus strand). VCF-style: chr16-89749730-C-G. GRCh37 (hg19) VCF-style: chr16-89816138-C-G.
Other names: c.3239G>C, p.Arg1080Pro (NM_001286167.3); short protein forms R1080P.
Identifiers: ClinVar variation 3572397 (VCV003572397.2).
Genomic context (GRCh38, chr16:89,749,730, plus strand): 5'-GTCATGAGATGCTGCCCTGCCCAGGTGGTGCTGCCCTGCCCAGGTGGTAGTAGGTGTTAC[C>G]GTTTGTACATTAGCAGCTCCCTCTGTCTCTGAAGGCTGGCAGCCACGCTCCACCCGCTTG-3'
Protein context (NP_000126.2, residues 1070-1090): QRQRELLMYK[Arg1080Pro]ILLRLPSSVL

ClinVar aggregate classification (germline): Uncertain significance. Review status: criteria provided, multiple submitters, no conflicts (2 of 4 stars). 2 submissions from 2 submitters: Uncertain significance (2). Last evaluated 2026-03-31.

Conditions:
Fanconi anemia complementation group A (FANCA). Also called: Fanconi anemia, group A; FANCA-Related Fanconi Anemia. Identifiers: Orphanet 84, MedGen C3469521, MONDO:0009215, OMIM 227650.

Submissions (2):

Myriad Genetics, Inc.
Classification: Uncertain significance for Fanconi anemia complementation group A. Last evaluated: 2026-03-31. Review status: criteria provided, single submitter. Criteria: Myriad Autosomal Dominant, Autosomal Recessive and X-Linked Classification Criteria (2023). Collection method: clinical testing. Allele origin: unknown.
Comment: NM_000135.2(FANCA):c.3239G>C(R1080P) is a missense variant classified as a variant of uncertain significance in the context of Fanconi anemia complementation group A. R1080P has not been observed in cases with relevant disease. Relevant functional assessments of this variant are not available in the literature. R1080P has not been observed in referenced population frequency databases. In summary, there is insufficient evidence to classify NM_000135.2(FANCA):c.3239G>C(R1080P) as pathogenic or benign. Please note: this variant was assessed in the context of healthy population screening.

Quest Diagnostics Nichols Institute San Juan Capistrano
Classification: Uncertain significance. Last evaluated: 2023-12-27. Review status: criteria provided, single submitter. Criteria: Quest Diagnostics criteria. Collection method: clinical testing. Allele origin: unknown.
Comment: The FANCA c.3239G>C (p.Arg1080Pro) variant has not been reported in individuals with FANCA-related conditions in the published literature. It also has not been reported in large, multi-ethnic general populations (Genome Aggregation Database). Analysis of this variant using software algorithms for the prediction of the effect of nucleotide changes on splicing yielded predictions that this variant may affect proper FANCA mRNA splicing. Based on the available information, we are unable to determine the clinical significance of this variant.